The following is an entry in ClinVar:

NM_000179.3(MSH6):c.6G>A (p.Ser2=)

Gene: MSH6 (mutS homolog 6; plus strand). Cytogenetic location: 2p16.3.
Variant type: single nucleotide variant.
Coding change: c.6G>A on transcript NM_000179.3 (MANE Select); coding-DNA position 6, G replaced by A.
Protein change: p.Ser2=; no amino-acid change (serine 2 retained).
Molecular consequence: synonymous variant. On other transcripts: 5 prime UTR variant (1).
Genome position (GRCh38, 1-based): chr2:47,783,239, G>A. VCF-style: chr2-47783239-G-A. GRCh37 (hg19) VCF-style: chr2-48010378-G-A.
Other names: c.6G>A, p.Ser2= (NM_001281492.2); c.-731G>A (NM_001281493.2).
Identifiers: ClinVar variation 455339 (VCV000455339.16), dbSNP rs1437951642, ClinGen allele CA425986767.
Genomic context (GRCh38, chr2:47,783,239, plus strand): 5'-CGGTGCTTTTAGGAGCTCCGTCCGACAGAACGGTTGGGCCTTGCCGGCTGTCGGTATGTC[G>A]CGACAGAGCACCCTGTACAGCTTCTTCCCCAAGTCTCCGGCGCTGAGTGATGCCAACAAG-3'
Protein context (NP_000170.1, residues 1-12): M[Ser2=]RQSTLYSFFP

ClinVar aggregate classification (germline): Benign/Likely benign. Review status: criteria provided, multiple submitters, no conflicts (2 of 4 stars). 4 submissions from 4 submitters: Benign (1); Likely benign (3). Last evaluated 2024-12-16.

Conditions:
Hereditary nonpolyposis colorectal neoplasms. Identifiers: MedGen C0009405, MeSH D003123.
Hereditary cancer-predisposing syndrome. Also called: Hereditary Cancer Syndrome; Hereditary neoplastic syndrome; Neoplastic Syndromes, Hereditary; Tumor predisposition. Identifiers: Orphanet 140162, MedGen C0027672, MeSH D009386, MONDO:0015356.
Lynch syndrome 5 (LYNCH5). Also called: Hereditary non-polyposis colorectal cancer, type 5; Colorectal cancer, hereditary nonpolyposis, type 5. Identifiers: Orphanet 144, MedGen C1833477, MONDO:0013710, OMIM 614350. Disease mechanism: loss of function.

Submissions (4):

Myriad Genetics, Inc.
Classification: Benign for Lynch syndrome 5. Last evaluated: 2024-12-16. Review status: criteria provided, single submitter. Criteria: Myriad Autosomal Dominant, Autosomal Recessive and X-Linked Classification Criteria (2023). Collection method: clinical testing. Allele origin: unknown.
Comment: This variant is considered benign. This variant is a silent/synonymous amino acid change and it is not expected to impact splicing.

Labcorp Genetics (formerly Invitae), Labcorp
Classification: Likely benign for Hereditary nonpolyposis colorectal neoplasms. Last evaluated: 2024-10-24. Review status: criteria provided, single submitter. Criteria: Invitae Variant Classification Sherloc (09022015). Collection method: clinical testing. Allele origin: germline.

Ambry Genetics
Classification: Likely benign for Hereditary cancer-predisposing syndrome. Last evaluated: 2023-10-12. Review status: criteria provided, single submitter. Criteria: Ambry Variant Classification Scheme 2023. Collection method: clinical testing. Allele origin: germline.

Color Diagnostics, LLC DBA Color Health
Classification: Likely benign for Hereditary cancer-predisposing syndrome. Last evaluated: 2020-01-06. Review status: criteria provided, single submitter. Criteria: ACMG Guidelines, 2015. Collection method: clinical testing. Allele origin: germline.